The following is an entry in ClinVar:

NM_174936.4(PCSK9):c.674G>A (p.Ser225Asn)

Gene: PCSK9 (proprotein convertase subtilisin/kexin type 9; plus strand). Cytogenetic location: 1p32.3.
Variant type: single nucleotide variant.
Coding change: c.674G>A on transcript NM_174936.4 (MANE Select); coding-DNA position 674, G replaced by A.
Protein change: p.Ser225Asn; replaces serine 225 with asparagine.
Molecular consequence: missense variant. On other transcripts: non-coding transcript variant (8).
Genome position (GRCh38, 1-based): chr1:55,052,666, G>A. VCF-style: chr1-55052666-G-A. GRCh37 (hg19) VCF-style: chr1-55518339-G-A.
Other names: c.617G>A, p.Ser206Asn (NM_001407243.1); c.674G>A, p.Ser225Asn (NM_001407244.1, NM_001407247.1, NM_001407241.1); c.482G>A, p.Ser161Asn (NM_001407245.1); c.299G>A, p.Ser100Asn (NM_001407246.1); c.797G>A, p.Ser266Asn (NM_001407240.1); c.677G>A, p.Ser226Asn (NM_001407242.1); short protein forms S100N, S161N, S206N, S225N, S226N, S266N.
Identifiers: ClinVar variation 4758720 (VCV004758720.1).

ClinVar aggregate classification (germline): Uncertain significance (1 of 4 stars; one submission).

Conditions:
Familial hypercholesterolemia. Also called: Familial hypercholesterolaemia. Identifiers: MedGen C0020445, MONDO:0005439.

gnomAD v4.1: 5 of 1,613,196 alleles (0.00031%); highest among the groups gnomAD compares: Non-Finnish European, 0.00034%; no homozygotes.

Submission:

Color Diagnostics, LLC DBA Color Health
Classification: Uncertain significance for Familial hypercholesterolemia. Last evaluated: 2025-07-28. Review status: criteria provided, single submitter. Criteria: ACMG Guidelines, 2015. Collection method: clinical testing. Allele origin: germline.
Comment: This missense variant replaces serine with asparagine at codon 225 of the PCSK9 protein. Computational prediction suggests that this variant may not impact protein structure and function. To our knowledge, functional studies have not been reported for this variant. This variant has not been reported in individuals affected with PCSK9-related disorders in the literature. This variant has been identified in 1/249552 chromosomes in the general population by the Genome Aggregation Database (gnomAD). The available evidence is insufficient to determine the role of this variant in disease conclusively. Therefore, this variant is classified as a Variant of Uncertain Significance.